The following is an entry in ClinVar:

ClinVar aggregate classification (germline): Pathogenic (1 of 4 stars; one submission).

Conditions:
Early-infantile DEE. Also called: Early infantile epileptic encephalopathy with suppression bursts; Ohtahara syndrome; Early infantile epileptic encephalopathy. Identifiers: Orphanet 1934, MedGen C0393706, MONDO:0800491.

Submission:

Labcorp Genetics (formerly Invitae), Labcorp
Classification: Pathogenic for Early-infantile DEE. Last evaluated: 2025-08-21. Review status: criteria provided, single submitter. Criteria: Invitae Variant Classification Sherloc (09022015). Collection method: clinical testing. Allele origin: germline.
Comment: This sequence change replaces isoleucine, which is neutral and non-polar, with phenylalanine, which is neutral and non-polar, at codon 278 of the KCNQ2 protein (p.Ile278Phe). This variant is not present in population databases (gnomAD no frequency). This missense change has been observed in individual(s) with clinical features of KCNQ2-related conditions and/or developmental and epileptic encephalopathy (PMID: 33897753; internal data). In at least one individual the variant was observed to be de novo. ClinVar contains an entry for this variant (Variation ID: 1349168). Invitae Evidence Modeling of protein sequence and biophysical properties (such as structural, functional, and spatial information, amino acid conservation, physicochemical variation, residue mobility, and thermodynamic stability) indicates that this missense variant is expected to disrupt KCNQ2 protein function with a positive predictive value of 95%. This variant disrupts the p.Ile278 amino acid residue in KCNQ2. Other variant(s) that disrupt this residue have been determined to be pathogenic (PMID: 30109124, 31780880). This suggests that this residue is clinically significant, and that variants that disrupt this residue are likely to be disease-causing. For these reasons, this variant has been classified as Pathogenic.

Literature cited by the submitters: PubMed 33897753; PubMed 30109124; PubMed 31780880.

NM_172107.4(KCNQ2):c.832A>T (p.Ile278Phe)

Gene: KCNQ2 (potassium voltage-gated channel subfamily Q member 2; minus strand). Cytogenetic location: 20q13.33.
Variant type: single nucleotide variant.
Coding change: c.832A>T on transcript NM_172107.4 (MANE Select); coding-DNA position 832, A replaced by T.
Protein change: p.Ile278Phe; replaces isoleucine 278 with phenylalanine.
Molecular consequence: missense variant.
Genome position (GRCh38, 1-based): chr20:63,439,693, T>A on the plus strand (A>T on the coding strand, the complement: KCNQ2 is on the minus strand). VCF-style: chr20-63439693-T-A. GRCh37 (hg19) VCF-style: chr20-62071046-T-A.
Other names: c.832A>T, p.Ile278Phe (NM_001382235.1, NM_004518.6, NM_172106.3 and 2 more transcripts); short protein forms I278F.
Identifiers: ClinVar variation 1349168 (VCV001349168.9), dbSNP rs780872303, ClinGen allele CA409652727.